The following is an entry in ClinVar:

ClinVar aggregate classification (germline): Uncertain significance (1 of 4 stars; one submission).

Conditions:
Intellectual developmental disorder 61. Also called: INTELLECTUAL DEVELOPMENTAL DISORDER, AUTOSOMAL DOMINANT 61; MENTAL RETARDATION, AUTOSOMAL DOMINANT 61. Identifiers: MedGen C5231400, MONDO:0032485, OMIM 618009.

Allele frequency attached by ClinVar (database versions not stated): gnomAD exomes below 0.00001.
gnomAD v4.1: 1 of 1,611,054 alleles (0.000062%); highest among the groups gnomAD compares: Non-Finnish European, 0.000085%; no homozygotes.

Submission:

Johns Hopkins Genomics, Johns Hopkins University
Classification: Uncertain significance for Intellectual developmental disorder 61. Last evaluated: 2021-01-26. Review status: criteria provided, single submitter. Criteria: ACMG Guidelines, 2015. Collection method: clinical testing. Allele origin: germline.
Comment: This variant is absent in a large population dataset and has not been reported in ClinVar or the literature to our knowledge. Three bioinformatics tools queried predict that this substitution would be tolerated. The glycine residue at this position is conserved through Sarcopterygii (lobe-finned fish and tetrapods). This variant is not predicted to affect normal exon 16 splicing, although this has not been confirmed experimentally to our knowledge. Due to insufficient evidence, we consider the clinical significance of c.2917G>A to be uncertain at this time.

Literature cited by the submitters: PubMed 29740699.

NM_005121.3(MED13):c.2917G>A (p.Gly973Ser)

Gene: MED13 (mediator complex subunit 13; minus strand). Cytogenetic location: 17q23.2.
Variant type: single nucleotide variant.
Coding change: c.2917G>A on transcript NM_005121.3 (MANE Select); coding-DNA position 2917, G replaced by A.
Protein change: p.Gly973Ser; replaces glycine 973 with serine.
Molecular consequence: missense variant.
Genome position (GRCh38, 1-based): chr17:61,983,086, C>T on the plus strand (G>A on the coding strand, the complement: MED13 is on the minus strand). VCF-style: chr17-61983086-C-T. GRCh37 (hg19) VCF-style: chr17-60060447-C-T.
Other names: short protein forms G973S.
Identifiers: ClinVar variation 996087 (VCV000996087.1), dbSNP rs2080218930, ClinGen allele CA400506681.